The following is an entry in ClinVar:

NM_033409.4(SLC52A3):c.446G>A (p.Gly149Asp)

Gene: SLC52A3 (solute carrier family 52 member 3; minus strand). Cytogenetic location: 20p13.
Variant type: single nucleotide variant.
Coding change: c.446G>A on transcript NM_033409.4 (MANE Select); coding-DNA position 446, G replaced by A.
Protein change: p.Gly149Asp; replaces glycine 149 with aspartic acid.
Molecular consequence: missense variant.
Genome position (GRCh38, 1-based): chr20:765,329, C>T on the plus strand (G>A on the coding strand, the complement: SLC52A3 is on the minus strand). VCF-style: chr20-765329-C-T. GRCh37 (hg19) VCF-style: chr20-745973-C-T.
Other names: c.446G>A, p.Gly149Asp (NM_001370085.1, NM_001370086.1); c.446G>A (NM_033409.3); short protein forms G149D.
Identifiers: ClinVar variation 1686212 (VCV001686212.3), dbSNP rs749668781, ClinGen allele CA407963816.
Genomic context (GRCh38, chr20:765,329, plus strand): 5'-ACATTGACGCAGGTAGTGAGACCGGAGCCCTGGGCAAGAGCCACCAGGGCGGGCAAGAGG[C>T]CGCTGAGTCCTTCACCCACAAAGAAGGTGGTGAGGTAGTAGGTGGGCAGCCGGCTCATGA-3'
Protein context (NP_212134.3, residues 139-159): TTFFVGEGLS[Gly149Asp]LLPALVALAQ

ClinVar aggregate classification (germline): Conflicting classifications of pathogenicity. Review status: criteria provided, conflicting classifications (1 of 4 stars). 3 submissions from 3 submitters: Pathogenic (1); Uncertain significance (2). Last evaluated 2026-06-15.

Conditions:
Progressive bulbar palsy of childhood. Also called: FAZIO-LONDE DISEASE; Childhood Progressive Bulbar Palsy. Identifiers: MedGen C0393540, MONDO:0100428, OMIM 211500.
SLC52A3-related disorder. Also called: SLC52A3-related condition.

Submissions (3):

Human Genetics Bochum, Ruhr University Bochum
Classification: Uncertain significance for Progressive bulbar palsy of childhood. Last evaluated: 2026-06-15. Review status: criteria provided, single submitter. Criteria: ACMG Guidelines, 2015. Collection method: clinical testing. Allele origin: germline. Affected: yes.
Comment: ACMG criteria used to clasify this variant: PP3_MOD, PM2_SUP

PreventionGenetics, part of Exact Sciences
Classification: Uncertain significance for SLC52A3-related condition. Last evaluated: 2023-03-16. Review status: criteria provided, single submitter. Criteria: ACMG Guidelines, 2015. Collection method: clinical testing. Allele origin: germline.
Comment: The SLC52A3 c.446G>A variant is predicted to result in the amino acid substitution p.Gly149Asp. To our knowledge, this variant has not been reported in the literature or in a large population database, indicating this variant is rare. Of note, this variant has been interpreted as pathogenic in ClinVar; however, the submitting laboratory provided no information to support this interpretation. At this time, the clinical significance of this variant is uncertain due to the absence of conclusive functional and genetic evidence.

Mendelics
Classification: Pathogenic for Progressive bulbar palsy of childhood. Last evaluated: 2022-05-04. Review status: criteria provided, single submitter. Criteria: Mendelics Assertion Criteria 2019. Collection method: clinical testing. Allele origin: germline.